The following is an entry in ClinVar:

ClinVar aggregate classification (germline): Likely pathogenic (1 of 4 stars; one submission).

Conditions:
Joubert syndrome. Also called: CEREBELLOPARENCHYMAL DISORDER IV; JOUBERT-BOLTSHAUSER SYNDROME; Familial aplasia of the vermis. Identifiers: Orphanet 475, MedGen C5979921, MONDO:0018772.
Nephronophthisis. Also called: Juvenile Nephronophthisis. Identifiers: Orphanet 655, MedGen C0687120, MONDO:0019005, HP:0000090.
Meckel-Gruber syndrome. Also called: DYSENCEPHALIA SPLANCHNOCYSTICA; GRUBER SYNDROME; Dysencephalia splachnocystica. Identifiers: Orphanet 564, MedGen C0265215, MONDO:0018921.

Submission:

Labcorp Genetics (formerly Invitae), Labcorp
Classification: Likely pathogenic for Joubert syndrome; Meckel-Gruber syndrome; Nephronophthisis. Last evaluated: 2024-05-05. Review status: criteria provided, single submitter. Criteria: Invitae Variant Classification Sherloc (09022015). Collection method: clinical testing. Allele origin: germline.
Comment: This sequence change affects a donor splice site in intron 49 of the CEP290 gene. It is expected to disrupt RNA splicing. Variants that disrupt the donor or acceptor splice site typically lead to a loss of protein function (PMID: 16199547), and loss-of-function variants in CEP290 are known to be pathogenic (PMID: 16909394, 17345604, 20690115). This variant is not present in population databases (gnomAD no frequency). This variant has not been reported in the literature in individuals affected with CEP290-related conditions. ClinVar contains an entry for this variant (Variation ID: 2094311). Algorithms developed to predict the effect of sequence changes on RNA splicing suggest that this variant may disrupt the consensus splice site. In summary, the currently available evidence indicates that the variant is pathogenic, but additional data are needed to prove that conclusively. Therefore, this variant has been classified as Likely Pathogenic.

Literature cited by the submitters: PubMed 16199547; PubMed 16909394; PubMed 17345604; PubMed 20690115.

NM_025114.4(CEP290):c.6818+2T>C

Gene: CEP290 (centrosomal protein 290; minus strand). Cytogenetic location: 12q21.32.
Variant type: single nucleotide variant.
Coding change: c.6818+2T>C on transcript NM_025114.4 (MANE Select); the canonical splice donor site of the intron after coding-DNA position 6818, T replaced by C.
Molecular consequence: splice donor variant.
Genome position (GRCh38, 1-based): chr12:88,058,846, A>G on the plus strand (T>C on the coding strand, the complement: CEP290 is on the minus strand). VCF-style: chr12-88058846-A-G. GRCh37 (hg19) VCF-style: chr12-88452623-A-G.
Identifiers: ClinVar variation 2094311 (VCV002094311.4), dbSNP rs2499527666, ClinGen allele CA385977135.
Genomic context (GRCh38, chr12:88,058,846, plus strand): 5'-TTAAAACAATGCCAAAATTTGAAATGATTAAACTTTGTACAAGTTTAAAACTCTGTTCCT[A>G]CCTTGTAACCACAATGGATTTCCAGCTCTTACTGTCAGCACCTTCAAGCTGTGGACCTCT-3'